The following is an entry in ClinVar:

ClinVar aggregate classification (germline): not provided (0 of 4 stars; one submission).

Allele frequency attached by ClinVar (database versions not stated): gnomAD 0.00001.
gnomAD v4.1: 27 of 1,552,630 alleles (0.0017%); highest among the groups gnomAD compares: Non-Finnish European, 0.0023%; no homozygotes.

Submission:

Human Evolutionary Genetics, Institut Pasteur
No classification provided. Review status: no classification provided. Collection method: not provided. Allele origin: germline.
ClinVar note: Converted during submission from untested to not provided.

NM_176820.4(NLRP9):c.2502-40C>G

Gene: NLRP9 (NLR family pyrin domain containing 9; minus strand). Cytogenetic location: 19q13.42.
Variant type: single nucleotide variant.
Coding change: c.2502-40C>G on transcript NM_176820.4 (MANE Select); 40 bases into the intron before coding-DNA position 2502, C replaced by G.
Molecular consequence: intron variant.
Genome position (GRCh38, 1-based): chr19:55,712,630, G>C on the plus strand (C>G on the coding strand, the complement: NLRP9 is on the minus strand). VCF-style: chr19-55712630-G-C. GRCh37 (hg19) VCF-style: chr19-56223996-G-C.
Identifiers: ClinVar variation 132880 (VCV000132880.2), dbSNP rs199476229, ClinGen allele CA231733.